The following is an entry in ClinVar:

ClinVar aggregate classification (germline): Likely benign (0 of 4 stars; one submission).

Conditions:
DLGAP2-related disorder. Also called: DLGAP2-related condition.

Allele frequency attached by ClinVar (database versions not stated): gnomAD 0.00033; TOPMed 0.00033; gnomAD exomes 0.00036.
gnomAD v4.1: 138 of 398,978 alleles (0.035%); highest among the groups gnomAD compares: Admixed American, 0.035%; no homozygotes.

Submission:

PreventionGenetics, part of Exact Sciences
Classification: Likely benign for DLGAP2-related condition. Last evaluated: 2019-05-31. Review status: no assertion criteria provided. Collection method: clinical testing. Allele origin: germline.
Comment: This variant is classified as likely benign based on ACMG/AMP sequence variant interpretation guidelines (Richards et al. 2015 PMID: 25741868, with internal and published modifications).

NM_001346810.2(DLGAP2):c.34C>T (p.Leu12=)

Gene: DLGAP2 (DLG associated protein 2; plus strand). Cytogenetic location: 8p23.3.
Variant type: single nucleotide variant.
Coding change: c.34C>T on transcript NM_001346810.2 (MANE Select); coding-DNA position 34, C replaced by T.
Protein change: p.Leu12=; no amino-acid change (leucine 12 retained).
Molecular consequence: synonymous variant. On other transcripts: non-coding transcript variant (1).
Genome position (GRCh38, 1-based): chr8:907,927, C>T. VCF-style: chr8-907927-C-T. GRCh37 (hg19) VCF-style: chr8-857927-C-T.
Identifiers: ClinVar variation 3044500 (VCV003044500.2), dbSNP rs546907591, ClinGen allele CA170252316.